The following is an entry in ClinVar:

NM_000878.5(IL2RB):c.1292C>T (p.Ser431Phe)

Gene: IL2RB (interleukin 2 receptor subunit beta; minus strand). Cytogenetic location: 22q12.3.
Variant type: single nucleotide variant.
Coding change: c.1292C>T on transcript NM_000878.5 (MANE Select); coding-DNA position 1292, C replaced by T.
Protein change: p.Ser431Phe; replaces serine 431 with phenylalanine.
Molecular consequence: missense variant.
Genome position (GRCh38, 1-based): chr22:37,128,460, G>A on the plus strand (C>T on the coding strand, the complement: IL2RB is on the minus strand). VCF-style: chr22-37128460-G-A. GRCh37 (hg19) VCF-style: chr22-37524500-G-A.
Other names: c.1292C>T, p.Ser431Phe (NM_001346222.1, NM_001346223.2); short protein forms S431F.
Identifiers: ClinVar variation 1524966 (VCV001524966.8), dbSNP rs550783162, ClinGen allele CA10216375.

ClinVar aggregate classification (germline): Uncertain significance (1 of 4 stars; one submission).

Allele frequency attached by ClinVar (database versions not stated): gnomAD exomes below 0.00001; ExAC 0.00001; TOPMed 0.00001; gnomAD 0.00003; 1000 Genomes Project 30x 0.00016; 1000 Genomes Project 0.00020.
gnomAD v4.1: 7 of 1,574,684 alleles (0.00044%); highest among the groups gnomAD compares: African/African-American, 0.0081%; no homozygotes.

Submission:

Labcorp Genetics (formerly Invitae), Labcorp
Classification: Uncertain significance. Last evaluated: 2024-02-24. Review status: criteria provided, single submitter. Criteria: Invitae Variant Classification Sherloc (09022015). Collection method: clinical testing. Allele origin: germline.
Comment: This sequence change replaces serine, which is neutral and polar, with phenylalanine, which is neutral and non-polar, at codon 431 of the IL2RB protein (p.Ser431Phe). The frequency data for this variant in the population databases is considered unreliable, as metrics indicate poor data quality at this position in the gnomAD database. This variant has not been reported in the literature in individuals affected with IL2RB-related conditions. ClinVar contains an entry for this variant (Variation ID: 1524966). An algorithm developed to predict the effect of missense changes on protein structure and function (PolyPhen-2) suggests that this variant is likely to be disruptive. In summary, the available evidence is currently insufficient to determine the role of this variant in disease. Therefore, it has been classified as a Variant of Uncertain Significance.